The following is an entry in ClinVar:

NM_006231.4(POLE):c.-4C>G

Genes: POLE (DNA polymerase epsilon, catalytic subunit; minus strand), LOC130009266 (ATAC-STARR-seq lymphoblastoid silent region 5123; plus strand). Cytogenetic location: 12q24.33.
Variant type: single nucleotide variant.
Coding change: c.-4C>G on transcript NM_006231.4 (MANE Select); 4 bases upstream of the start codon, C replaced by G.
Molecular consequence: 5 prime UTR variant.
Genome position (GRCh38, 1-based): chr12:132,687,319, G>C on the plus strand (C>G on the coding strand, the complement: POLE is on the minus strand). VCF-style: chr12-132687319-G-C. GRCh37 (hg19) VCF-style: chr12-133263905-G-C.
Identifiers: ClinVar variation 4825820 (VCV004825820.1).

ClinVar aggregate classification (germline): Uncertain significance (1 of 4 stars; one submission).

Conditions:
Hereditary cancer-predisposing syndrome. Also called: Neoplastic Syndromes, Hereditary; Tumor predisposition; Hereditary Cancer Syndrome; Hereditary neoplastic syndrome. Identifiers: Orphanet 140162, MedGen C0027672, MeSH D009386, MONDO:0015356.

gnomAD v4.1: 1 of 1,500,262 alleles (0.000067%); highest among the groups gnomAD compares: Non-Finnish European, 0.000089%; no homozygotes.

Submission:

Ambry Genetics
Classification: Uncertain significance for Hereditary cancer-predisposing syndrome. Last evaluated: 2026-03-02. Review status: criteria provided, single submitter. Criteria: Ambry Variant Classification Scheme 2023. Collection method: clinical testing. Allele origin: germline.
Comment: The c.-4C>G variant is located in the 5' untranslated region (5&rsquo; UTR) of the POLE gene. This variant results from a C to G substitution 4 bases upstream from the first translated codon. This nucleotide position is not well conserved in available vertebrate species. Based on the available evidence, the clinical significance of this variant remains unclear.